The following is an entry in ClinVar:

ClinVar aggregate classification (germline): Conflicting classifications of pathogenicity. Review status: criteria provided, conflicting classifications (1 of 4 stars). 4 submissions from 4 submitters: Likely pathogenic (1); Uncertain significance (2). 1 of the submissions does not count toward it. Last evaluated 2022-04-18.

Conditions:
Retinitis pigmentosa 25 (RP25). Identifiers: Orphanet 791, MedGen C1864446, MONDO:0011272, OMIM 602772.
Retinitis pigmentosa (RP). Identifiers: Orphanet 791, MedGen C0035334, MeSH D012174, MONDO:0019200, OMIM 268000. Inheritance: Autosomal dominant, autosomal recessive and X linked inheritance.

Allele frequency attached by ClinVar (database versions not stated): gnomAD exomes 0.00002 and 0.00004; gnomAD 0.00004 and 0.00005; TOPMed 0.00004; ExAC 0.00005.
gnomAD v4.1: 60 of 1,551,492 alleles (0.0039%); highest among the groups gnomAD compares: Middle Eastern, 0.017%; no homozygotes.

Submissions (4):

Labcorp Genetics (formerly Invitae), Labcorp
Classification: Uncertain significance. Last evaluated: 2022-04-18. Review status: criteria provided, single submitter. Criteria: Invitae Variant Classification Sherloc (09022015). Collection method: clinical testing. Allele origin: germline.
Comment: This sequence change replaces cysteine, which is neutral and slightly polar, with tyrosine, which is neutral and polar, at codon 2108 of the EYS protein (p.Cys2108Tyr). This variant is present in population databases (rs770111708, gnomAD 0.004%). This missense change has been observed in individual(s) with retinitis pigmentosa (PMID: 28041643, 32581362). ClinVar contains an entry for this variant (Variation ID: 438203). Algorithms developed to predict the effect of missense changes on protein structure and function (SIFT, PolyPhen-2, Align-GVGD) all suggest that this variant is likely to be disruptive. In summary, the available evidence is currently insufficient to determine the role of this variant in disease. Therefore, it has been classified as a Variant of Uncertain Significance.

Genome-Nilou Lab
Classification: Likely pathogenic for Retinitis pigmentosa 25. Last evaluated: 2021-07-22. Review status: criteria provided, single submitter. Criteria: ACMG Guidelines, 2015. Collection method: clinical testing. Allele origin: germline. Affected: no.

Blueprint Genetics
Classification: Uncertain significance. Last evaluated: 2019-11-20. Review status: criteria provided, single submitter. Criteria: ACMG Guidelines, 2015. Collection method: clinical testing. Allele origin: germline.

NIHR Bioresource Rare Diseases, University of Cambridge
Classification: Likely pathogenic for Retinitis pigmentosa. Last evaluated: 2015-01-01. Review status: no assertion criteria provided. Collection method: research. Allele origin: unknown. Affected: yes. Observed: 1 variant allele. Not counted in ClinVar's aggregate classification.

Literature cited by the submitters: PubMed 28041643 (cited by Labcorp Genetics (formerly Invitae), Labcorp and NIHR Bioresource Rare Diseases, University of Cambridge); PubMed 32581362 (cited by Labcorp Genetics (formerly Invitae), Labcorp).

NM_001142800.2(EYS):c.6323G>A (p.Cys2108Tyr)

Gene: EYS (EGF-like photoreceptor maintenance factor; minus strand). Cytogenetic location: 6q12.
Variant type: single nucleotide variant.
Coding change: c.6323G>A on transcript NM_001142800.2 (MANE Select); coding-DNA position 6323, G replaced by A.
Protein change: p.Cys2108Tyr; replaces cysteine 2108 with tyrosine.
Molecular consequence: missense variant.
Genome position (GRCh38, 1-based): chr6:64,230,693, C>T on the plus strand (G>A on the coding strand, the complement: EYS is on the minus strand). VCF-style: chr6-64230693-C-T. GRCh37 (hg19) VCF-style: chr6-64940586-C-T.
Other names: c.6323G>A, p.Cys2108Tyr (NM_001292009.2); short protein forms C2108Y.
Identifiers: ClinVar variation 438203 (VCV000438203.7), dbSNP rs770111708, ClinGen allele CA3876928.
Genomic context (GRCh38, chr6:64,230,693, plus strand): 5'-CATTGGAATGACACTATGCCACTGGAGAGGAAGATGGCATGGCATGTGCCTCCATTGTGG[C>T]ATACATCCTGCTGGCACACAGAGGGTGCTGCAACAGAGGGGCTGACAGAAGTCCACATGG-3'
Protein context (NP_001136272.1, residues 2098-2118): AAPSVCQQDV[Cys2108Tyr]HNGGTCHAIF